The following is an entry in ClinVar:

NC_000014.9:g.(?_45136032)_(45200008_?)del

Gene: FANCM (FA complementation group M; plus strand). Cytogenetic location: 14q21.2.
Variant type: Deletion.
Identifiers: ClinVar variation 830960 (VCV000830960.6).

ClinVar aggregate classification (germline): Pathogenic (1 of 4 stars; one submission).

Conditions:
Fanconi anemia (FA). Also called: Fanconi's anemia. Identifiers: Orphanet 84, MedGen C0015625, MeSH D005199, MONDO:0019391.

Submission:

Labcorp Genetics (formerly Invitae), Labcorp
Classification: Pathogenic for Fanconi anemia. Last evaluated: 2023-09-20. Review status: criteria provided, single submitter. Criteria: Invitae Variant Classification Sherloc (09022015). Collection method: clinical testing. Allele origin: germline.
Comment: This variant has not been reported in the literature in individuals affected with FANCM-related conditions. For these reasons, this variant has been classified as Pathogenic. A gross deletion of the genomic region encompassing the full coding sequence of the FANCM gene has been identified. Loss-of-function variants in FANCM are known to be pathogenic (PMID: 29895858, 30075111). The boundaries of this event are unknown as they extend beyond the assayed region for this gene and therefore may encompass additional genes.

Literature cited by the submitters: PubMed 29895858; PubMed 30075111.